The following is an entry in ClinVar:

ClinVar aggregate classification (germline): Benign (0 of 4 stars; one submission).

Conditions:
DCHS2-related disorder. Also called: DCHS2-related condition.

Allele frequency attached by ClinVar (database versions not stated): 1000 Genomes Project 0.03335; 1000 Genomes Project 30x 0.03701; ExAC 0.04896; TOPMed 0.05045; gnomAD 0.05783; ESP Exome Variant Server 0.06001; gnomAD exomes 0.07095.

Submission:

PreventionGenetics, part of Exact Sciences
Classification: Benign for DCHS2-related condition. Last evaluated: 2019-05-01. Review status: no assertion criteria provided. Collection method: clinical testing. Allele origin: germline.
Comment: This variant is classified as benign based on ACMG/AMP sequence variant interpretation guidelines (Richards et al. 2015 PMID: 25741868, with internal and published modifications).

NM_001358235.2(DCHS2):c.625C>T (p.Pro209Ser)

Gene: DCHS2 (dachsous cadherin-related 2; minus strand). Cytogenetic location: 4q31.3.
Variant type: single nucleotide variant.
Coding change: c.625C>T on transcript NM_001358235.2 (MANE Select); coding-DNA position 625, C replaced by T.
Protein change: p.Pro209Ser; replaces proline 209 with serine.
Molecular consequence: missense variant.
Genome position (GRCh38, 1-based): chr4:154,490,731, G>A on the plus strand (C>T on the coding strand, the complement: DCHS2 is on the minus strand). VCF-style: chr4-154490731-G-A. GRCh37 (hg19) VCF-style: chr4-155411883-G-A.
Other names: c.625C>T, p.Pro209Ser (NM_001142552.2, NM_001412223.1); short protein forms P209S.
Identifiers: ClinVar variation 3059143 (VCV003059143.2), dbSNP rs17373860, ClinGen allele CA3113885.